The following is an entry in ClinVar:

NM_000070.3(CAPN3):c.939G>A (p.Pro313=)

Gene: CAPN3 (calpain 3; plus strand). Cytogenetic location: 15q15.1.
Variant type: single nucleotide variant.
Coding change: c.939G>A on transcript NM_000070.3 (MANE Select); coding-DNA position 939, G replaced by A.
Protein change: p.Pro313=; no amino-acid change (proline 313 retained).
Molecular consequence: synonymous variant. On other transcripts: intron variant (1).
Genome position (GRCh38, 1-based): chr15:42,390,090, G>A. VCF-style: chr15-42390090-G-A. GRCh37 (hg19) VCF-style: chr15-42682288-G-A.
Other names: c.939G>A, p.Pro313= (NM_024344.2); c.801+994G>A (NM_173087.2).
Identifiers: ClinVar variation 128575 (VCV000128575.25), dbSNP rs78369269, ClinGen allele CA152144.

ClinVar aggregate classification (germline): Benign/Likely benign. Review status: criteria provided, multiple submitters, no conflicts (2 of 4 stars). 7 submissions from 7 submitters: Benign (3); Likely benign (2). 2 of the submissions do not count toward it. Last evaluated 2026-02-02.

Conditions:
Autosomal recessive limb-girdle muscular dystrophy type 2A (LGMDR1). Also called: LEYDEN-MOEBIUS MUSCULAR DYSTROPHY; MUSCULAR DYSTROPHY, PELVOFEMORAL; Limb-girdle muscular dystrophy, type 2A; Calpainopathy; Muscular dystrophy, limb-girdle, type 2A, Amish. Identifiers: Orphanet 267, MedGen C1869123, MONDO:0009675, OMIM 253600. Disease mechanism: loss of function.

Allele frequency attached by ClinVar (database versions not stated): TOPMed 0.00693; gnomAD 0.00698; 1000 Genomes Project 0.00759; ESP Exome Variant Server 0.00807; 1000 Genomes Project 30x 0.00921.
gnomAD v4.1: 1,961 of 1,614,016 alleles (0.12%); highest among the groups gnomAD compares: African/African-American, 2.4%; 22 homozygotes.

Submissions (7):

Labcorp Genetics (formerly Invitae), Labcorp
Classification: Benign for Autosomal recessive limb-girdle muscular dystrophy type 2A. Last evaluated: 2026-02-02. Review status: criteria provided, single submitter. Criteria: Invitae Variant Classification Sherloc (09022015). Collection method: clinical testing. Allele origin: germline.

Athena Diagnostics
Classification: Benign. Last evaluated: 2025-02-21. Review status: criteria provided, single submitter. Criteria: Athena Diagnostics Criteria. Collection method: clinical testing. Allele origin: unknown.
Comment: The frequency of this variant in the general population is higher than would generally be expected for pathogenic variants in this gene. Computational tools yielded predictions that this variant is unlikely to have an effect on normal RNA splicing. This nucleotide position exhibits low evolutionary conservation.

GeneDx
Classification: Benign. Last evaluated: 2017-09-26. Review status: criteria provided, single submitter. Criteria: GeneDx Variant Classification (06012015). Collection method: clinical testing. Allele origin: germline. Affected: yes.
Comment: This variant is considered likely benign or benign based on one or more of the following criteria: it is a conservative change, it occurs at a poorly conserved position in the protein, it is predicted to be benign by multiple in silico algorithms, and/or has population frequency not consistent with disease.

Breakthrough Genomics
Classification: Likely benign. Review status: criteria provided, single submitter. Criteria: ACMG Guidelines, 2015. Collection method: not provided. Allele origin: germline. Inheritance: Autosomal recessive inheritance. Affected: yes.

PreventionGenetics, part of Exact Sciences
Classification: Likely benign. Review status: criteria provided, single submitter. Criteria: ACMG Guidelines, 2015. Collection method: clinical testing. Allele origin: germline.

Natera, Inc.
Classification: Benign for Limb-girdle muscular dystrophy type 2A. Last evaluated: 2020-09-16. Review status: no assertion criteria provided. Collection method: clinical testing. Allele origin: germline. Not counted in ClinVar's aggregate classification.

Genetic Services Laboratory, University of Chicago
Classification: Likely benign for AllHighlyPenetrant. Review status: no assertion criteria provided. Collection method: clinical testing. Allele origin: germline. Inheritance: Autosomal recessive inheritance. Not counted in ClinVar's aggregate classification.
Comment: Likely benign based on allele frequency in 1000 Genomes Project or ESP global frequency and its presence in a patient with a rare or unrelated disease phenotype. NOT Sanger confirmed.